The following is an entry in ClinVar:

ClinVar aggregate classification (germline): Uncertain significance (1 of 4 stars; one submission).

Submission:

GeneDx
Classification: Uncertain significance. Last evaluated: 2025-02-20. Review status: criteria provided, single submitter. Criteria: GeneDx Variant Classification Process June 2021. Collection method: clinical testing. Allele origin: germline. Affected: yes.
Comment: Not observed at significant frequency in large population cohorts (gnomAD); Frameshift variant predicted to result in protein truncation or nonsense mediated decay in a gene or region of a gene for which loss of function is not a well-established mechanism of disease; Has not been previously published as pathogenic or benign to our knowledge

NM_001999.4(FBN2):c.2840_2846delinsAG (p.Arg947fs)

Gene: FBN2 (fibrillin 2; minus strand). Cytogenetic location: 5q23.3.
Variant type: Indel.
Coding change: c.2840_2846delinsAG on transcript NM_001999.4 (MANE Select); coding-DNA positions 2840 to 2846, GGATTAA replaced by AG.
Protein change: p.Arg947fs; shifts the reading frame from arginine 947.
Molecular consequence: frameshift variant.
Genome position (GRCh38, 1-based): chr5:128,349,972-128,349,978, TTAATCC replaced by CT on the plus strand (GGATTAA replaced by AG on the coding strand, the reverse complement: FBN2 is on the minus strand). VCF-style: chr5-128349972-TTAATCC-CT. GRCh37 (hg19) VCF-style: chr5-127685664-TTAATCC-CT.
Other names: short protein forms R947fs.
Identifiers: ClinVar variation 4076862 (VCV004076862.1).